The following is an entry in ClinVar:

ClinVar aggregate classification (germline): Uncertain significance (1 of 4 stars; one submission).

Submission:

GeneDx
Classification: Uncertain significance. Last evaluated: 2025-04-10. Review status: criteria provided, single submitter. Criteria: GeneDx Variant Classification Process June 2021. Collection method: clinical testing. Allele origin: germline. Affected: yes.
Comment: Not observed at significant frequency in large population cohorts (gnomAD); In silico analysis indicates that this missense variant does not alter protein structure/function; Has not been previously published as pathogenic or benign to our knowledge

NM_001379200.1(TBX1):c.197C>A (p.Ala66Asp)

Gene: TBX1 (T-box transcription factor 1; plus strand). Cytogenetic location: 22q11.21.
Variant type: single nucleotide variant.
Coding change: c.197C>A on transcript NM_001379200.1 (MANE Select); coding-DNA position 197, C replaced by A.
Protein change: p.Ala66Asp; replaces alanine 66 with aspartic acid.
Molecular consequence: missense variant.
Genome position (GRCh38, 1-based): chr22:19,761,040, C>A. VCF-style: chr22-19761040-C-A. GRCh37 (hg19) VCF-style: chr22-19748563-C-A.
Other names: c.170C>A, p.Ala57Asp (NM_005992.1, NM_080646.2, NM_080647.1); short protein forms A57D, A66D.
Identifiers: ClinVar variation 4282426 (VCV004282426.1).